The following is an entry in ClinVar:

ClinVar aggregate classification (germline): Uncertain significance (1 of 4 stars; one submission).

gnomAD v4.1: 3 of 1,613,852 alleles (0.00019%); highest among the groups gnomAD compares: Non-Finnish European, 0.00025%; no homozygotes.

Submission:

GeneDx
Classification: Uncertain significance. Last evaluated: 2023-06-18. Review status: criteria provided, single submitter. Criteria: GeneDx Variant Classification Process June 2021. Collection method: clinical testing. Allele origin: germline. Affected: yes.
Comment: Not observed at significant frequency in large population cohorts (gnomAD); In silico analysis supports that this missense variant does not alter protein structure/function, but splice predictors support that this missense variant has a deleterious effect on splicing; Has not been previously published as pathogenic or benign to our knowledge

NM_003482.4(KMT2D):c.652A>G (p.Ser218Gly)

Gene: KMT2D (lysine methyltransferase 2D; minus strand). Cytogenetic location: 12q13.12.
Variant type: single nucleotide variant.
Coding change: c.652A>G on transcript NM_003482.4 (MANE Select); coding-DNA position 652, A replaced by G.
Protein change: p.Ser218Gly; replaces serine 218 with glycine.
Molecular consequence: missense variant.
Genome position (GRCh38, 1-based): chr12:49,053,999, T>C on the plus strand (A>G on the coding strand, the complement: KMT2D is on the minus strand). VCF-style: chr12-49053999-T-C. GRCh37 (hg19) VCF-style: chr12-49447782-T-C.
Other names: short protein forms S218G.
Identifiers: ClinVar variation 3359931 (VCV003359931.1).
Genomic context (GRCh38, chr12:49,053,999, plus strand): 5'-CTCTCATTTGCCCTATGACCAAAGATCAGGACTTCTCACCCAGATATGCAGCCCCCTCAC[T>C]GTGCTCTGGGCATAGCAGCTGCAGTGTTTTCATGGATAGGAAGGAACCGCTGGCAGTCGC-3'
Protein context (NP_003473.3, residues 208-228): KTLQLLCPEH[Ser218Gly]EGAAYLEEAR